The following is an entry in ClinVar:

ClinVar aggregate classification (germline): Uncertain significance. Review status: criteria provided, multiple submitters, no conflicts (2 of 4 stars). 2 submissions from 2 submitters: Uncertain significance (2). Last evaluated 2025-04-28.

Conditions:
Developmental and epileptic encephalopathy, 12 (DEE12). Identifiers: MedGen C3150988, MONDO:0013389, OMIM 613722.

Allele frequency attached by ClinVar (database versions not stated): gnomAD exomes 0.00001 and 0.00003; ExAC 0.00002; gnomAD 0.00002; TOPMed 0.00003; ESP Exome Variant Server 0.00008.
gnomAD v4.1: 22 of 1,613,418 alleles (0.0014%); highest among the groups gnomAD compares: South Asian, 0.0022%; no homozygotes.

Submissions (2):

GeneDx
Classification: Uncertain significance. Last evaluated: 2025-04-28. Review status: criteria provided, single submitter. Criteria: GeneDx Variant Classification Process June 2021. Collection method: clinical testing. Allele origin: germline. Affected: yes.
Comment: Not observed at significant frequency in large population cohorts (gnomAD); In silico analysis supports that this missense variant has a deleterious effect on protein structure/function; Has not been previously published as pathogenic or benign to our knowledge

Labcorp Genetics (formerly Invitae), Labcorp
Classification: Uncertain significance for Developmental and epileptic encephalopathy, 12. Last evaluated: 2022-07-01. Review status: criteria provided, single submitter. Criteria: Invitae Variant Classification Sherloc (09022015). Collection method: clinical testing. Allele origin: germline.
Comment: This sequence change replaces arginine, which is basic and polar, with cysteine, which is neutral and slightly polar, at codon 297 of the PLCB1 protein (p.Arg297Cys). This variant is present in population databases (rs149661663, gnomAD 0.006%). This variant has not been reported in the literature in individuals affected with PLCB1-related conditions. ClinVar contains an entry for this variant (Variation ID: 538900). Algorithms developed to predict the effect of missense changes on protein structure and function are either unavailable or do not agree on the potential impact of this missense change (SIFT: "Deleterious"; PolyPhen-2: "Possibly Damaging"; Align-GVGD: "Class C15"). In summary, the available evidence is currently insufficient to determine the role of this variant in disease. Therefore, it has been classified as a Variant of Uncertain Significance.

NM_015192.4(PLCB1):c.889C>T (p.Arg297Cys)

Gene: PLCB1 (phospholipase C beta 1; plus strand). Cytogenetic location: 20p12.3.
Variant type: single nucleotide variant.
Coding change: c.889C>T on transcript NM_015192.4 (MANE Select); coding-DNA position 889, C replaced by T.
Protein change: p.Arg297Cys; replaces arginine 297 with cysteine.
Molecular consequence: missense variant.
Genome position (GRCh38, 1-based): chr20:8,684,958, C>T. VCF-style: chr20-8684958-C-T. GRCh37 (hg19) VCF-style: chr20-8665605-C-T.
Other names: c.889C>T, p.Arg297Cys (NM_182734.3); c.889C>T (NM_015192.2); short protein forms R297C.
Identifiers: ClinVar variation 538900 (VCV000538900.8), dbSNP rs149661663, ClinGen allele CA9759848.
Genomic context (GRCh38, chr20:8,684,958, plus strand): 5'-GCATTCACATCCTTTCTAACTTCATTTCCTCCAGGACAAATATCAGTGGATGGGTTCATG[C>T]GCTATCTGAGTGGAGAAGAAAACGGAGTCGTTTCACCTGAGAAACTGGATTTGAATGAAG-3'
Protein context (NP_056007.1, residues 287-307): KGQISVDGFM[Arg297Cys]YLSGEENGVV